The following is an entry in ClinVar:

ClinVar aggregate classification (germline): Benign/Likely benign. Review status: criteria provided, multiple submitters, no conflicts (2 of 4 stars). 3 submissions from 3 submitters: Benign (2); Likely benign (1). Last evaluated 2025-09-02.

Conditions:
Age related macular degeneration 1 (ARMD1). Also called: MACULOPATHY, AGE-RELATED, 1. Identifiers: MedGen C1864205, MONDO:0011285, OMIM 603075.

Allele frequency attached by ClinVar (database versions not stated): gnomAD 0.00002 and 0.00025; TOPMed 0.00005; ESP Exome Variant Server 0.00008; gnomAD exomes 0.00086; ExAC 0.00101; 1000 Genomes Project 30x 0.00172; 1000 Genomes Project 0.00200.
gnomAD v4.1: 622 of 1,614,096 alleles (0.039%); highest among the groups gnomAD compares: South Asian, 0.65%; 6 homozygotes.

Submissions (3):

Labcorp Genetics (formerly Invitae), Labcorp
Classification: Benign. Last evaluated: 2025-09-02. Review status: criteria provided, single submitter. Criteria: Invitae Variant Classification Sherloc (09022015). Collection method: clinical testing. Allele origin: germline.

Genome-Nilou Lab
Classification: Benign for Age related macular degeneration 1. Last evaluated: 2023-04-11. Review status: criteria provided, single submitter. Criteria: ACMG Guidelines, 2015. Collection method: clinical testing. Allele origin: germline. Affected: no.

Illumina Laboratory Services, Illumina
Classification: Likely benign for Age related macular degeneration 1. Last evaluated: 2018-01-12. Review status: criteria provided, single submitter. Criteria: ICSL Variant Classification Criteria 13 December 2019. Collection method: clinical testing. Allele origin: germline.
Comment: This variant was observed in the ICSL laboratory as part of a predisposition screen in an ostensibly healthy population. It had not been previously curated by ICSL or reported in the Human Gene Mutation Database (HGMD: prior to June 1st, 2018), and was therefore a candidate for classification through an automated scoring system. Utilizing variant allele frequency, disease prevalence and penetrance estimates, and inheritance mode, an automated score was calculated to assess if this variant is too frequent to cause the disease. Based on the score and internal cut-off values, a variant classified as likely benign is not then subjected to further curation. The score for this variant resulted in a classification of likely benign for this disease.

NM_031935.3(HMCN1):c.15561G>T (p.Gly5187=)

Gene: HMCN1 (hemicentin 1; plus strand). Cytogenetic location: 1q31.1.
Variant type: single nucleotide variant.
Coding change: c.15561G>T on transcript NM_031935.3 (MANE Select); coding-DNA position 15561, G replaced by T.
Protein change: p.Gly5187=; no amino-acid change (glycine 5187 retained).
Molecular consequence: synonymous variant.
Genome position (GRCh38, 1-based): chr1:186,166,929, G>T. VCF-style: chr1-186166929-G-T. GRCh37 (hg19) VCF-style: chr1-186136061-G-T.
Identifiers: ClinVar variation 875960 (VCV000875960.12), dbSNP rs373603132, ClinGen allele CA1295298.
Genomic context (GRCh38, chr1:186,166,929, plus strand): 5'-GATTGGATCTTATCGCTGTGTGGTCCGTTGTGGAAGTGGCTTTCGAAGAACCTCTGATGG[G>T]CTGAGTTGTCAAGGTATAAAAATGGAGGCCTTTTCTTTATGTTCATGACAGTAAGAATTA-3'
Protein context (NP_114141.2, residues 5177-5197): CGSGFRRTSD[Gly5187=]LSCQDINECQ